The following is an entry in ClinVar:

ClinVar aggregate classification (germline): Likely pathogenic (1 of 4 stars; one submission).

Conditions:
Spondylodysplastic Ehlers-Danlos syndrome. Identifiers: Orphanet 536471, Orphanet 75496, MedGen C5680154, MONDO:0007526.

Submission:

Labcorp Genetics (formerly Invitae), Labcorp
Classification: Likely pathogenic for Spondylodysplastic Ehlers-Danlos syndrome. Last evaluated: 2025-09-04. Review status: criteria provided, single submitter. Criteria: Invitae Variant Classification Sherloc (09022015). Collection method: clinical testing. Allele origin: germline.
Comment: This sequence change affects an acceptor splice site in intron 2 of the B4GALT7 gene. It is expected to disrupt RNA splicing. Variants that disrupt the donor or acceptor splice site typically lead to a loss of protein function (PMID: 16199547), and loss-of-function variants in B4GALT7 are known to be pathogenic (PMID: 26940150, 31614862, 38431799). This variant is not present in population databases (gnomAD no frequency). This variant has not been reported in the literature in individuals affected with B4GALT7-related conditions. ClinVar contains an entry for this variant (Variation ID: 2064958). Algorithms developed to predict the effect of sequence changes on RNA splicing suggest that this variant may disrupt the consensus splice site. In summary, the currently available evidence indicates that the variant is pathogenic, but additional data are needed to prove that conclusively. Therefore, this variant has been classified as Likely Pathogenic.

Literature cited by the submitters: PubMed 16199547; PubMed 26940150; PubMed 31614862; PubMed 38431799.

NM_007255.3(B4GALT7):c.414-2A>G

Gene: B4GALT7 (beta-1,4-galactosyltransferase 7; plus strand). Cytogenetic location: 5q35.3.
Variant type: single nucleotide variant.
Coding change: c.414-2A>G on transcript NM_007255.3 (MANE Select); the canonical splice acceptor site of the intron before coding-DNA position 414, A replaced by G.
Molecular consequence: splice acceptor variant.
Genome position (GRCh38, 1-based): chr5:177,607,300, A>G. VCF-style: chr5-177607300-A-G. GRCh37 (hg19) VCF-style: chr5-177034301-A-G.
Identifiers: ClinVar variation 2064958 (VCV002064958.4), dbSNP rs2532534868, ClinGen allele CA362374761.
Genomic context (GRCh38, chr5:177,607,300, plus strand): 5'-TGCTGAGCCCCAGGCAGTGAGCCCGTGTGCTGCCCCTGCCCAGCCTTGCCCACCCTGCAC[A>G]GGTTCAACCGGGCAGCGCTCATCAACGTGGGCTTCCTGGAGAGCAGCAACAGCACGGACT-3'